The following is an entry in ClinVar:

ClinVar aggregate classification (germline): Uncertain significance. Review status: criteria provided, multiple submitters, no conflicts (2 of 4 stars). 3 submissions from 3 submitters: Uncertain significance (2). 1 of the submissions does not count toward it. Last evaluated 2022-03-03.

Conditions:
ABCA3-related disorder. Also called: ABCA3-related condition.
Interstitial lung disease due to ABCA3 deficiency. Also called: PULMONARY ALVEOLAR PROTEINOSIS, CONGENITAL, 3. Identifiers: Orphanet 440402, MedGen C1970456, MONDO:0012582, OMIM 610921.

Allele frequency attached by ClinVar (database versions not stated): ESP Exome Variant Server 0.00015; gnomAD 0.00020; TOPMed 0.00031; 1000 Genomes Project 0.00080; 1000 Genomes Project 30x 0.00094.
gnomAD v4.1: 83 of 1,605,376 alleles (0.0052%); highest among the groups gnomAD compares: African/African-American, 0.065%; no homozygotes.

Submissions (3):

Fulgent Genetics
Classification: Uncertain significance for Interstitial lung disease due to ABCA3 deficiency. Last evaluated: 2022-03-03. Review status: criteria provided, single submitter. Criteria: ACMG Guidelines, 2015. Collection method: clinical testing. Allele origin: unknown.

Illumina Laboratory Services, Illumina
Classification: Uncertain significance for Interstitial lung disease due to ABCA3 deficiency. Last evaluated: 2018-01-13. Review status: criteria provided, single submitter. Criteria: ICSL Variant Classification Criteria 13 December 2019. Collection method: clinical testing. Allele origin: germline.

PreventionGenetics, part of Exact Sciences
Classification: Likely benign for ABCA3-related condition. Last evaluated: 2019-04-17. Review status: no assertion criteria provided. Collection method: clinical testing. Allele origin: germline. Not counted in ClinVar's aggregate classification.
Comment: This variant is classified as likely benign based on ACMG/AMP sequence variant interpretation guidelines (Richards et al. 2015 PMID: 25741868, with internal and published modifications).

NM_001089.3(ABCA3):c.3003C>T (p.Leu1001=)

Gene: ABCA3 (ATP binding cassette subfamily A member 3; minus strand). Cytogenetic location: 16p13.3.
Variant type: single nucleotide variant.
Coding change: c.3003C>T on transcript NM_001089.3 (MANE Select); coding-DNA position 3003, C replaced by T.
Protein change: p.Leu1001=; no amino-acid change (leucine 1001 retained).
Molecular consequence: synonymous variant.
Genome position (GRCh38, 1-based): chr16:2,288,027, G>A on the plus strand (C>T on the coding strand, the complement: ABCA3 is on the minus strand). VCF-style: chr16-2288027-G-A. GRCh37 (hg19) VCF-style: chr16-2338028-G-A.
Identifiers: ClinVar variation 318429 (VCV000318429.8), dbSNP rs76519389, ClinGen allele CA7840648.